The following is an entry in ClinVar:

NM_001378418.1(TCF20):c.3916C>G (p.Gln1306Glu)

Gene: TCF20 (transcription factor 20; minus strand). Cytogenetic location: 22q13.2.
Variant type: single nucleotide variant.
Coding change: c.3916C>G on transcript NM_001378418.1 (MANE Select); coding-DNA position 3916, C replaced by G.
Protein change: p.Gln1306Glu; replaces glutamine 1306 with glutamic acid.
Molecular consequence: missense variant.
Genome position (GRCh38, 1-based): chr22:42,211,390, G>C on the plus strand (C>G on the coding strand, the complement: TCF20 is on the minus strand). VCF-style: chr22-42211390-G-C. GRCh37 (hg19) VCF-style: chr22-42607396-G-C.
Other names: c.3916C>G, p.Gln1306Glu (NM_005650.4, NM_181492.3); c.3916C>G (NM_005650.1); short protein forms Q1306E.
Identifiers: ClinVar variation 1965588 (VCV001965588.7), dbSNP rs780925899, ClinGen allele CA10266753.

ClinVar aggregate classification (germline): Uncertain significance. Review status: criteria provided, multiple submitters, no conflicts (2 of 4 stars). 2 submissions from 2 submitters: Uncertain significance (2). Last evaluated 2025-09-02.

Conditions:
Inborn genetic diseases. Identifiers: MedGen C0950123, MeSH D030342.

Allele frequency attached by ClinVar (database versions not stated): gnomAD 0.00001; ExAC 0.00001; TOPMed 0.00002.
gnomAD v4.1: 6 of 1,614,074 alleles (0.00037%); highest among the groups gnomAD compares: African/African-American, 0.0053%; no homozygotes.

Submissions (2):

Labcorp Genetics (formerly Invitae), Labcorp
Classification: Uncertain significance. Last evaluated: 2025-09-02. Review status: criteria provided, single submitter. Criteria: Invitae Variant Classification Sherloc (09022015). Collection method: clinical testing. Allele origin: germline.
Comment: This sequence change replaces glutamine, which is neutral and polar, with glutamic acid, which is acidic and polar, at codon 1306 of the TCF20 protein (p.Gln1306Glu). This variant is present in population databases (rs780925899, gnomAD 0.008%). This variant has not been reported in the literature in individuals affected with TCF20-related conditions. ClinVar contains an entry for this variant (Variation ID: 1965588). An algorithm developed to predict the effect of missense changes on protein structure and function (PolyPhen-2) suggests that this variant is likely to be tolerated. In summary, the available evidence is currently insufficient to determine the role of this variant in disease. Therefore, it has been classified as a Variant of Uncertain Significance.

Ambry Genetics
Classification: Uncertain significance for Inborn genetic diseases. Last evaluated: 2023-03-31. Review status: criteria provided, single submitter. Criteria: Ambry Variant Classification Scheme 2023. Collection method: clinical testing. Allele origin: germline.